The following is an entry in ClinVar:

NM_006796.3(AFG3L2):c.1130T>C (p.Phe377Ser)

Gene: AFG3L2 (AFG3 like matrix AAA peptidase subunit 2; minus strand). Cytogenetic location: 18p11.21.
Variant type: single nucleotide variant.
Coding change: c.1130T>C on transcript NM_006796.3 (MANE Select); coding-DNA position 1130, T replaced by C.
Protein change: p.Phe377Ser; replaces phenylalanine 377 with serine.
Molecular consequence: missense variant.
Genome position (GRCh38, 1-based): chr18:12,356,728, A>G on the plus strand (T>C on the coding strand, the complement: AFG3L2 is on the minus strand). VCF-style: chr18-12356728-A-G. GRCh37 (hg19) VCF-style: chr18-12356727-A-G.
Other names: short protein forms F377S.
Identifiers: ClinVar variation 973110 (VCV000973110.2), dbSNP rs1908507433, ClinGen allele CA401953134.

ClinVar aggregate classification (germline): Likely pathogenic. Review status: criteria provided, single submitter (1 of 4 stars). 2 submissions from 2 submitters: Likely pathogenic (1). 1 of the submissions does not count toward it. Last evaluated 2026-02-12.

Conditions:
Optic atrophy. Identifiers: MedGen C0029124, MONDO:0003608, HP:0000648.
Optic neuropathy. Also called: Optic nerve disorder. Identifiers: MedGen C3887709, MONDO:0002135, HP:0001138.

Submissions (2):

Genetics Laboratory, Great Ormond Street Hospital NHS Foundation Trust, North Thames Genomic Laboratory Hub
Classification: Likely pathogenic for Optic neuropathy. Last evaluated: 2026-02-12. Review status: criteria provided, single submitter. Criteria: ACGS Best Practice Guidelines for Variant Classification in Rare Disease 2024 v1.2. Collection method: clinical testing. Allele origin: germline. Affected: yes.
Comment: PS4_supporting, PM2_moderate, PP3_supporting, PM6_moderate

Neurogenetics, IRCCS Istituto delle Scienze Neurologiche di Bologna
Classification: Pathogenic for Optic atrophy. Review status: no assertion criteria provided. Collection method: research. Allele origin: de novo. Affected: yes. Observed: 1 variant allele. Not counted in ClinVar's aggregate classification.
Comment: Optic Atrophy 12, OPA12

Literature cited by the submitters: PubMed 32219868 (cited by Neurogenetics, IRCCS Istituto delle Scienze Neurologiche di Bologna).